The following is an entry in ClinVar:

NM_005633.4(SOS1):c.1797A>C (p.Pro599=)

Gene: SOS1 (SOS Ras/Rac guanine nucleotide exchange factor 1; minus strand). Cytogenetic location: 2p22.1.
Variant type: single nucleotide variant.
Coding change: c.1797A>C on transcript NM_005633.4 (MANE Select); coding-DNA position 1797, A replaced by C.
Protein change: p.Pro599=; no amino-acid change (proline 599 retained).
Molecular consequence: synonymous variant.
Genome position (GRCh38, 1-based): chr2:39,022,631, T>G on the plus strand (A>C on the coding strand, the complement: SOS1 is on the minus strand). VCF-style: chr2-39022631-T-G. GRCh37 (hg19) VCF-style: chr2-39249772-T-G.
Other names: c.1776A>C, p.Pro592= (NM_001382394.1); c.1797A>C, p.Pro599= (NM_001382395.1).
Identifiers: ClinVar variation 5040241 (VCV005040241.1).

ClinVar aggregate classification (germline): Likely benign (1 of 4 stars; one submission).

Submission:

CeGaT Center for Human Genetics Tuebingen
Classification: Likely benign. Last evaluated: 2026-07-01. Review status: criteria provided, single submitter. Criteria: CeGaT Center For Human Genetics Tuebingen Variant Classification Criteria Version 2. Collection method: clinical testing. Allele origin: germline. Affected: yes. Observed: 1 variant allele.
Comment: SOS1: PM2:Supporting, BP4, BP7